The following is an entry in ClinVar:

NM_014946.4(SPAST):c.1049C>T (p.Ala350Val)

Gene: SPAST (spastin; plus strand). Cytogenetic location: 2p22.3.
Variant type: single nucleotide variant.
Coding change: c.1049C>T on transcript NM_014946.4 (MANE Select); coding-DNA position 1049, C replaced by T.
Protein change: p.Ala350Val; replaces alanine 350 with valine.
Molecular consequence: missense variant.
Genome position (GRCh38, 1-based): chr2:32,116,163, C>T. VCF-style: chr2-32116163-C-T. GRCh37 (hg19) VCF-style: chr2-32341232-C-T.
Other names: c.1046C>T, p.Ala349Val (NM_001363823.2); c.950C>T, p.Ala317Val (NM_001363875.2); c.953C>T, p.Ala318Val (NM_001377959.1, NM_199436.2); short protein forms A350V, A317V, A349V, A318V.
Identifiers: ClinVar variation 409035 (VCV000409035.8), dbSNP rs1060502231, ClinGen allele CA16610968.

ClinVar aggregate classification (germline): Conflicting classifications of pathogenicity. Review status: criteria provided, conflicting classifications (1 of 4 stars). 2 submissions from 2 submitters: Pathogenic (1); Uncertain significance (1). Last evaluated 2025-09-08.

Conditions:
Hereditary spastic paraplegia 4. Also called: Spastic paraplegia 4, autosomal dominant; Familial spastic paraplegia autosomal dominant 2; Spastic Paraplegia 4. Identifiers: Orphanet 100985, MedGen C1866855, MONDO:0008438, OMIM 182601.

Submissions (2):

Labcorp Genetics (formerly Invitae), Labcorp
Classification: Pathogenic for Hereditary spastic paraplegia 4. Last evaluated: 2025-09-08. Review status: criteria provided, single submitter. Criteria: Invitae Variant Classification Sherloc (09022015). Collection method: clinical testing. Allele origin: germline.
Comment: This sequence change replaces alanine, which is neutral and non-polar, with valine, which is neutral and non-polar, at codon 350 of the SPAST protein (p.Ala350Val). This variant is not present in population databases (gnomAD no frequency). This missense change has been observed in individual(s) with hereditary spastic paraparesis (HSP) (internal data). It has also been observed to segregate with disease in related individuals. Invitae Evidence Modeling of clinical and family history, age, sex, and reported ancestry of multiple individuals with this SPAST variant has been performed. This variant is expected to be pathogenic with a positive predictive value of at least 99%. This is a validated machine learning model that incorporates the clinical features of 4,195 individuals referred to our laboratory for SPAST testing. ClinVar contains an entry for this variant (Variation ID: 409035). Invitae Evidence Modeling of protein sequence and biophysical properties (such as structural, functional, and spatial information, amino acid conservation, physicochemical variation, residue mobility, and thermodynamic stability) indicates that this missense variant is not expected to disrupt SPAST protein function with a negative predictive value of 80%. For these reasons, this variant has been classified as Pathogenic.

Athena Diagnostics
Classification: Uncertain significance. Last evaluated: 2017-03-28. Review status: criteria provided, single submitter. Criteria: Athena Diagnostics Criteria. Collection method: clinical testing. Allele origin: germline.